The following is an entry in ClinVar:

NM_000528.4(MAN2B1):c.2436+1G>A

Gene: MAN2B1 (mannosidase alpha class 2B member 1; minus strand). Cytogenetic location: 19p13.13.
Variant type: single nucleotide variant.
Coding change: c.2436+1G>A on transcript NM_000528.4 (MANE Select); the canonical splice donor site of the intron after coding-DNA position 2436, G replaced by A.
Molecular consequence: splice donor variant.
Genome position (GRCh38, 1-based): chr19:12,649,135, C>T on the plus strand (G>A on the coding strand, the complement: MAN2B1 is on the minus strand). VCF-style: chr19-12649135-C-T. GRCh37 (hg19) VCF-style: chr19-12759949-C-T.
Other names: c.2433+1G>A (NM_001173498.2).
Identifiers: ClinVar variation 556664 (VCV000556664.4), dbSNP rs200036864, ClinGen allele CA305461804.

ClinVar aggregate classification (germline): Likely pathogenic. Review status: criteria provided, multiple submitters, no conflicts (2 of 4 stars). 3 submissions from 3 submitters: Likely pathogenic (2). 1 of the submissions does not count toward it. Last evaluated 2025-03-13.

Conditions:
Deficiency of alpha-mannosidase (MANSA). Also called: Alpha-Mannosidosis; LYSOSOMAL ALPHA-D-MANNOSIDASE DEFICIENCY; Mannosidosis, alpha-, types I and II. Identifiers: Orphanet 61, MedGen C0024748, MONDO:0009561, OMIM 248500.

Allele frequency attached by ClinVar (database versions not stated): gnomAD exomes below 0.00001; gnomAD 0.00001; 1000 Genomes Project 30x 0.00016; 1000 Genomes Project 0.00020.
gnomAD v4.1: 1 of 1,611,818 alleles (0.000062%); highest among the groups gnomAD compares: Non-Finnish European, 0.000085%; no homozygotes.

Submissions (3):

Natera, Inc.
Classification: Likely pathogenic for Alpha-mannosidosis. Last evaluated: 2025-03-13. Review status: criteria provided, single submitter. Criteria: Natera Variant Classification Schema (03/2026). Collection method: clinical testing. Allele origin: germline.
Comment: The c.2436+1G>A variant in MAN2B1 is a canonical splice donor site variant predicted to affect pre-mRNA splicing, which may result in an abnormal transcript and altered protein product. This variant is expected to result in nonsense mediated decay, truncation, or a dysfunctional protein product. This variant is rare in the general population with a frequency below the threshold expected for the associated phenotype(s). Functional studies show that this variant may disrupt protein function (PMID: 20165920). Given the available evidence, this variant is classified as Likely Pathogenic.

Clinical Genetics Service, Universitary Hospital 12 de Octubre
Classification: Likely pathogenic for Deficiency of alpha-mannosidase. Review status: criteria provided, single submitter. Criteria: ACMG Guidelines, 2015. Collection method: clinical testing. Allele origin: maternal. Affected: yes.

Counsyl
Classification: Likely pathogenic for Deficiency of alpha-mannosidase. Last evaluated: 2018-02-13. Review status: no assertion criteria provided. Collection method: clinical testing. Allele origin: unknown. Not counted in ClinVar's aggregate classification.

Literature cited by the submitters: PubMed 20165920 (cited by Natera, Inc. and Counsyl); PubMed 22161967 (cited by Counsyl).